The following is an entry in ClinVar:

ClinVar aggregate classification (germline): Uncertain significance. Review status: criteria provided, single submitter (1 of 4 stars). 2 submissions from 2 submitters: Uncertain significance (1). 1 of the submissions does not count toward it. Last evaluated 2024-10-31.

Conditions:
Syndromic X-linked intellectual disability 94 (MRXSW). Also called: MENTAL RETARDATION, X-LINKED, SYNDROMIC 29; X-linked intellectual disability due to GRIA3 anomalies. Identifiers: Orphanet 364028, MedGen C2678051, MONDO:0010402, OMIM 300699.

Submissions (2):

Labcorp Genetics (formerly Invitae), Labcorp
Classification: Uncertain significance. Last evaluated: 2024-10-31. Review status: criteria provided, single submitter. Criteria: Invitae Variant Classification Sherloc (09022015). Collection method: clinical testing. Allele origin: germline.
Comment: This sequence change replaces threonine, which is neutral and polar, with alanine, which is neutral and non-polar, at codon 510 of the GRIA3 protein (p.Thr510Ala). This variant is not present in population databases (gnomAD no frequency). This variant has not been reported in the literature in individuals affected with GRIA3-related conditions. Invitae Evidence Modeling of protein sequence and biophysical properties (such as structural, functional, and spatial information, amino acid conservation, physicochemical variation, residue mobility, and thermodynamic stability) indicates that this missense variant is expected to disrupt GRIA3 protein function with a positive predictive value of 80%. In summary, the available evidence is currently insufficient to determine the role of this variant in disease. Therefore, it has been classified as a Variant of Uncertain Significance.

Department of Rehabilitation, Children's Hospital of Nanjing Medical University
Classification: Likely pathogenic for Syndromic X-linked intellectual disability 94. Last evaluated: 2025-09-30. Review status: no assertion criteria provided. Collection method: clinical testing. Allele origin: germline. Affected: yes. Not counted in ClinVar's aggregate classification.
Comment: PS2_Supportin, PM1, PM2_Supporting, PP2, PP3

NM_007325.5(GRIA3):c.1528A>G (p.Thr510Ala)

Gene: GRIA3 (glutamate ionotropic receptor AMPA type subunit 3; plus strand). Cytogenetic location: Xq25.
Variant type: single nucleotide variant.
Coding change: c.1528A>G on transcript NM_007325.5 (MANE Select); coding-DNA position 1528, A replaced by G.
Protein change: p.Thr510Ala; replaces threonine 510 with alanine.
Molecular consequence: missense variant.
Genome position (GRCh38, 1-based): chrX:123,417,429, A>G. VCF-style: chrX-123417429-A-G. GRCh37 (hg19) VCF-style: chrX-122551280-A-G.
Other names: c.1528A>G, p.Thr510Ala (NM_000828.5); short protein forms T510A.
Identifiers: ClinVar variation 3665894 (VCV003665894.3).